The following is an entry in ClinVar:

NM_003801.4(GPAA1):c.293C>T (p.Ser98Leu)

Gene: GPAA1 (glycosylphosphatidylinositol anchor attachment 1; plus strand). Cytogenetic location: 8q24.3.
Variant type: single nucleotide variant.
Coding change: c.293C>T on transcript NM_003801.4 (MANE Select); coding-DNA position 293, C replaced by T.
Protein change: p.Ser98Leu; replaces serine 98 with leucine.
Molecular consequence: missense variant.
Genome position (GRCh38, 1-based): chr8:144,083,427, C>T. VCF-style: chr8-144083427-C-T. GRCh37 (hg19) VCF-style: chr8-145138330-C-T.
Other names: short protein forms S98L.
Identifiers: ClinVar variation 2096724 (VCV002096724.4), dbSNP rs2537314384, ClinGen allele CA372597994.

ClinVar aggregate classification (germline): Uncertain significance (1 of 4 stars; one submission).

Submission:

Labcorp Genetics (formerly Invitae), Labcorp
Classification: Uncertain significance. Last evaluated: 2022-02-11. Review status: criteria provided, single submitter. Criteria: Invitae Variant Classification Sherloc (09022015). Collection method: clinical testing. Allele origin: germline.
Comment: This sequence change replaces serine, which is neutral and polar, with leucine, which is neutral and non-polar, at codon 98 of the GPAA1 protein (p.Ser98Leu). This variant is not present in population databases (gnomAD no frequency). This variant has not been reported in the literature in individuals affected with GPAA1-related conditions. Algorithms developed to predict the effect of missense changes on protein structure and function (SIFT, PolyPhen-2, Align-GVGD) all suggest that this variant is likely to be tolerated. In summary, the available evidence is currently insufficient to determine the role of this variant in disease. Therefore, it has been classified as a Variant of Uncertain Significance.